The following is an entry in ClinVar:

NM_001267550.2(TTN):c.89882_89885del (p.Gly29961fs)

Genes: TTN (titin; minus strand), TTN-AS1 (TTN antisense RNA 1; plus strand). Cytogenetic location: 2q31.2.
Variant type: Deletion.
Coding change: c.89882_89885del on transcript NM_001267550.2 (MANE Select); coding-DNA positions 89882 to 89885, 4 bases deleted (GAGG; older notation c.89882_89885delGAGG).
Protein change: p.Gly29961fs; shifts the reading frame from glycine 29961.
Molecular consequence: frameshift variant.
Genome position (GRCh38, 1-based): chr2:178,553,015-178,553,018, CCTC deleted on the plus strand (GAGG on the coding strand, the reverse complement: TTN is on the minus strand); deleting any 4 consecutive bases within chr2:178,553,015-178,553,019 gives the same sequence; the c. name uses the placement nearest the transcript's 3' end. VCF-style (leftmost placement, unchanged base first): chr2-178553014-TCCTC-T. GRCh37 (hg19) VCF-style: chr2-179417741-TCCTC-T.
Other names: c.84959_84962del, p.Gly28320fs (NM_001256850.1); c.62687_62690del, p.Gly20896fs (NM_003319.4); c.82178_82181del, p.Gly27393fs (NM_133378.4); c.63062_63065del, p.Gly21021fs (NM_133432.3); c.63263_63266del, p.Gly21088fs (NM_133437.4); short protein forms G29961fs, G20896fs, G21021fs, G28320fs, G21088fs, G27393fs.
Identifiers: ClinVar variation 1478914 (VCV001478914.8), dbSNP rs2154151697, ClinGen allele CA2573133735.

ClinVar aggregate classification (germline): Likely pathogenic (1 of 4 stars; one submission).

Conditions:
Dilated cardiomyopathy 1G (CMD1G). Identifiers: Orphanet 154, MedGen C1858763, MONDO:0011400, OMIM 604145.
Autosomal recessive limb-girdle muscular dystrophy type 2J (LGMDR10). Also called: Limb-girdle muscular dystrophy, type 2J; MUSCULAR DYSTROPHY, LIMB-GIRDLE, AUTOSOMAL RECESSIVE 10. Identifiers: Orphanet 140922, MedGen C1837342, MONDO:0012127, OMIM 608807.

Submission:

Labcorp Genetics (formerly Invitae), Labcorp
Classification: Likely pathogenic for Dilated cardiomyopathy 1G; Autosomal recessive limb-girdle muscular dystrophy type 2J. Last evaluated: 2024-03-11. Review status: criteria provided, single submitter. Criteria: Invitae Variant Classification Sherloc (09022015). Collection method: clinical testing. Allele origin: germline.
Comment: This sequence change creates a premature translational stop signal (p.Gly29961Aspfs*4) in the TTN gene. While this is not anticipated to result in nonsense mediated decay, it is expected to create a truncated TTN protein. This variant is not present in population databases (gnomAD no frequency). This variant has not been reported in the literature in individuals affected with TTN-related conditions. ClinVar contains an entry for this variant (Variation ID: 1478914). This variant is located in the A band of TTN (PMID: 25589632). Truncating variants in this region are significantly overrepresented in patients affected with dilated cardiomyopathy (PMID: 25589632). Truncating variants in this region have also been reported in individuals affected with autosomal recessive centronuclear myopathy (PMID: 23975875). In summary, the currently available evidence indicates that the variant is pathogenic, but additional data are needed to prove that conclusively. Therefore, this variant has been classified as Likely Pathogenic.

Literature cited by the submitters: PubMed 25589632; PubMed 23975875.